The following is an entry in ClinVar:

ClinVar aggregate classification (germline): Benign/Likely benign. Review status: criteria provided, multiple submitters, no conflicts (2 of 4 stars). 4 submissions from 4 submitters: Benign (3); Likely benign (1). Last evaluated 2026-02-02.

Allele frequency attached by ClinVar (database versions not stated): ESP Exome Variant Server 0.00046; gnomAD 0.00237 and 0.00356; TOPMed 0.00430; ExAC 0.00649; 1000 Genomes Project 0.01458; 1000 Genomes Project 30x 0.01468.
gnomAD v4.1: 5,069 of 1,614,168 alleles (0.31%); highest among the groups gnomAD compares: East Asian, 7.9%; 162 homozygotes.

Submissions (4):

Labcorp Genetics (formerly Invitae), Labcorp
Classification: Benign. Last evaluated: 2026-02-02. Review status: criteria provided, single submitter. Criteria: Invitae Variant Classification Sherloc (09022015). Collection method: clinical testing. Allele origin: germline.

Mayo Clinic Laboratories, Mayo Clinic
Classification: Benign. Last evaluated: 2025-09-11. Review status: criteria provided, single submitter. Criteria: ACMG Guidelines, 2015. Collection method: clinical testing. Allele origin: germline. Observed: 4 variant alleles.

Laboratory for Molecular Medicine, Mass General Brigham Personalized Medicine
Classification: Benign. Last evaluated: 2013-02-21. Review status: criteria provided, single submitter. Criteria: LMM Criteria. Collection method: clinical testing. Allele origin: germline. Observed: 1 variant allele.
Comment: Pro232Pro in exon 9 of HPS4: This variant is not expected to have clinical signi ficance because it does not alter an amino acid residue and is not located withi n the splice consensus sequence. It has been identified in 8.5% (17/200) of Han Chinese chromosomes from a broad population by the 1000 Genomes Project (dbSNP rs3747132).

Breakthrough Genomics
Classification: Likely benign. Review status: criteria provided, single submitter. Criteria: ACMG Guidelines, 2015. Collection method: not provided. Allele origin: germline. Inheritance: Autosomal recessive inheritance. Affected: yes.

NM_022081.6(HPS4):c.696G>A (p.Pro232=)

Gene: HPS4 (HPS4 biogenesis of lysosomal organelles complex 3 subunit 2; minus strand). Cytogenetic location: 22q12.1.
Variant type: single nucleotide variant.
Coding change: c.696G>A on transcript NM_022081.6 (MANE Select); coding-DNA position 696, G replaced by A.
Protein change: p.Pro232=; no amino-acid change (proline 232 retained).
Molecular consequence: synonymous variant. On other transcripts: non-coding transcript variant (8).
Genome position (GRCh38, 1-based): chr22:26,466,236, C>T on the plus strand (G>A on the coding strand, the complement: HPS4 is on the minus strand). VCF-style: chr22-26466236-C-T. GRCh37 (hg19) VCF-style: chr22-26862202-C-T.
Other names: p.Pro232=; c.696G>A, p.Pro232= (NM_001349896.1, NM_001349898.2, NM_001349899.2 and 6 more transcripts); c.681G>A, p.Pro227= (NM_152841.2).
Identifiers: ClinVar variation 226659 (VCV000226659.20), dbSNP rs3747132, ClinGen allele CA10163567.